The following is an entry in ClinVar:

NM_001376.5(DYNC1H1):c.679C>A (p.Pro227Thr)

Gene: DYNC1H1 (dynein cytoplasmic 1 heavy chain 1; plus strand). Cytogenetic location: 14q32.31.
Variant type: single nucleotide variant.
Coding change: c.679C>A on transcript NM_001376.5 (MANE Select); coding-DNA position 679, C replaced by A.
Protein change: p.Pro227Thr; replaces proline 227 with threonine.
Molecular consequence: missense variant.
Genome position (GRCh38, 1-based): chr14:101,979,879, C>A. VCF-style: chr14-101979879-C-A. GRCh37 (hg19) VCF-style: chr14-102446216-C-A.
Other names: c.679C>A (NM_001376.4); short protein forms P227T.
Identifiers: ClinVar variation 1521303 (VCV001521303.8), dbSNP rs745425454, ClinGen allele CA7351563.

ClinVar aggregate classification (germline): Uncertain significance. Review status: criteria provided, multiple submitters, no conflicts (2 of 4 stars). 2 submissions from 2 submitters: Uncertain significance (2). Last evaluated 2023-12-06.

Conditions:
Charcot-Marie-Tooth disease axonal type 2O. Also called: CHARCOT-MARIE-TOOTH NEUROPATHY, AXONAL, TYPE 2O; CHARCOT-MARIE-TOOTH DISEASE, AXONAL, AUTOSOMAL DOMINANT, TYPE 2O; Charcot-Marie-Tooth Neuropathy Type 2O; Charcot-Marie-Tooth disease, axonal, type 20. Identifiers: Orphanet 284232, MedGen C3280220, MONDO:0013644, OMIM 614228.
DYNC1H1-related disorder. Also called: DYNC1H1-related disorders; DYNC1H1-related condition. Identifiers: MedGen CN381529.

Allele frequency attached by ClinVar (database versions not stated): ExAC 0.00001; gnomAD exomes 0.00001.
gnomAD v4.1: 1 of 1,614,160 alleles (0.000062%); highest among the groups gnomAD compares: Non-Finnish European, 0.000085%; no homozygotes.

Submissions (2):

Labcorp Genetics (formerly Invitae), Labcorp
Classification: Uncertain significance for Charcot-Marie-Tooth disease axonal type 2O. Last evaluated: 2023-12-06. Review status: criteria provided, single submitter. Criteria: Invitae Variant Classification Sherloc (09022015). Collection method: clinical testing. Allele origin: germline.
Comment: This sequence change replaces proline, which is neutral and non-polar, with threonine, which is neutral and polar, at codon 227 of the DYNC1H1 protein (p.Pro227Thr). This variant is present in population databases (rs745425454, gnomAD 0.0009%). This variant has not been reported in the literature in individuals affected with DYNC1H1-related conditions. ClinVar contains an entry for this variant (Variation ID: 1521303). Advanced modeling of protein sequence and biophysical properties (such as structural, functional, and spatial information, amino acid conservation, physicochemical variation, residue mobility, and thermodynamic stability) has been performed at Invitae for this missense variant, however the output from this modeling did not meet the statistical confidence thresholds required to predict the impact of this variant on DYNC1H1 protein function. In summary, the available evidence is currently insufficient to determine the role of this variant in disease. Therefore, it has been classified as a Variant of Uncertain Significance.

PreventionGenetics, part of Exact Sciences
Classification: Uncertain significance for DYNC1H1-related condition. Last evaluated: 2022-11-16. Review status: criteria provided, single submitter. Criteria: ACMG Guidelines, 2015. Collection method: clinical testing. Allele origin: germline.
Comment: The DYNC1H1 c.679C>A variant is predicted to result in the amino acid substitution p.Pro227Thr. To our knowledge, this variant has not been reported in the literature. This variant is reported in 0.0018% of alleles in individuals of European (Non-Finnish) descent in gnomAD. At this time, the clinical significance of this variant is uncertain due to the absence of conclusive functional and genetic evidence.